The following is an entry in ClinVar:

NM_001323289.2(CDKL5):c.725del (p.Pro242fs)

Gene: CDKL5 (cyclin dependent kinase like 5; plus strand). Cytogenetic location: Xp22.13.
Variant type: Deletion.
Coding change: c.725del on transcript NM_001323289.2 (MANE Select); coding-DNA position 725, one base deleted (C; older notation c.725delC).
Protein change: p.Pro242fs; shifts the reading frame from proline 242.
Molecular consequence: frameshift variant.
Genome position (GRCh38, 1-based): chrX:18,588,124, C deleted; the last of 2 consecutive C bases (chrX:18,588,123-18,588,124); deleting either gives the same sequence. VCF-style (leftmost placement, unchanged base first): chrX-18588122-TC-T. GRCh37 (hg19) VCF-style: chrX-18606242-TC-T.
Other names: c.725del, p.Pro242fs (NM_001037343.2, NM_003159.3); c.725delC (NM_003159.2); short protein forms P242fs.
Identifiers: ClinVar variation 533390 (VCV000533390.7), dbSNP rs1555950494, ClinGen allele CA658799605.

ClinVar aggregate classification (germline): Pathogenic (1 of 4 stars; one submission).

Conditions:
Developmental and epileptic encephalopathy, 2 (DEE2). Also called: INFANTILE SPASM SYNDROME, X-LINKED 2; CDKL5 deficiency disorder. Identifiers: Orphanet 1934, Orphanet 3451, Orphanet 505652, MedGen C4750718, MONDO:0010396, OMIM 300672.
Angelman syndrome-like. Identifiers: MedGen CN128785.

Submission:

Labcorp Genetics (formerly Invitae), Labcorp
Classification: Pathogenic for Developmental and epileptic encephalopathy, 2; Angelman syndrome-like. Last evaluated: 2017-09-12. Review status: criteria provided, single submitter. Criteria: Invitae Variant Classification Sherloc (09022015). Collection method: clinical testing. Allele origin: germline.
Comment: For these reasons, this variant has been classified as Pathogenic. This sequence change creates a premature translational stop signal (p.Pro242Leufs*25) in the CDKL5 gene. It is expected to result in an absent or disrupted protein product. This variant is not present in population databases (ExAC no frequency). This variant has not been reported in the literature in individuals with CDKL5-related disease. Loss-of-function variants in CDKL5 are known to be pathogenic (PMID: 22872100).

Literature cited by the submitters: PubMed 22872100.